The following is an entry in ClinVar:

ClinVar aggregate classification (germline): Likely benign. Review status: criteria provided, single submitter (1 of 4 stars). 2 submissions from 2 submitters: Likely benign (1). 1 of the submissions does not count toward it. Last evaluated 2022-11-10.

Conditions:
Paget disease of bone 2, early-onset (PDB2). Also called: Paget disease of bone 2. Identifiers: MedGen C4085251, MONDO:0011183, OMIM 602080.
Frontotemporal dementia and/or amyotrophic lateral sclerosis 1 (FTDALS1). Also called: Frontotemporal dementia with motor neuron disease 1; C9orf72 Frontotemporal Dementia and/or Amyotrophic Lateral Sclerosis. Identifiers: Orphanet 275872, MedGen C5779877, MONDO:0007105, OMIM 105550.
SQSTM1-related disorder. Also called: SQSTM1-Related Disorders.

Submissions (2):

Labcorp Genetics (formerly Invitae), Labcorp
Classification: Likely benign for Paget disease of bone 2, early-onset; Frontotemporal dementia and/or amyotrophic lateral sclerosis 1. Last evaluated: 2022-11-10. Review status: criteria provided, single submitter. Criteria: Invitae Variant Classification Sherloc (09022015). Collection method: clinical testing. Allele origin: germline.

PreventionGenetics, part of Exact Sciences
Classification: Likely benign for SQSTM1-related condition. Last evaluated: 2022-11-09. Review status: no assertion criteria provided. Collection method: clinical testing. Allele origin: germline. Not counted in ClinVar's aggregate classification.
Comment: This variant is classified as likely benign based on ACMG/AMP sequence variant interpretation guidelines (Richards et al. 2015 PMID: 25741868, with internal and published modifications).

NM_003900.5(SQSTM1):c.206-8C>T

Gene: SQSTM1 (sequestosome 1; plus strand). Cytogenetic location: 5q35.3.
Variant type: single nucleotide variant.
Coding change: c.206-8C>T on transcript NM_003900.5 (MANE Select); 8 bases into the intron before coding-DNA position 206, C replaced by T.
Molecular consequence: intron variant.
Genome position (GRCh38, 1-based): chr5:179,822,950, C>T. VCF-style: chr5-179822950-C-T. GRCh37 (hg19) VCF-style: chr5-179249950-C-T.
Other names: c.-47-8C>T (NM_001142298.2, NM_001142299.2); c.206-8C>T (NM_003900.4).
Identifiers: ClinVar variation 2038390 (VCV002038390.5), dbSNP rs2480208530, ClinGen allele CA2580074134.